The following is an entry in ClinVar:

NM_022455.5(NSD1):c.4883del (p.Met1628fs)

Gene: NSD1 (nuclear receptor binding SET domain protein 1; plus strand). Cytogenetic location: 5q35.3.
Variant type: Deletion.
Coding change: c.4883del on transcript NM_022455.5 (MANE Select); coding-DNA position 4883, one base deleted (T; older notation c.4883delT).
Protein change: p.Met1628fs; shifts the reading frame from methionine 1628.
Molecular consequence: frameshift variant.
Genome position (GRCh38, 1-based): chr5:177,257,068, T deleted. VCF-style (leftmost placement, unchanged base first): chr5-177257067-AT-A. GRCh37 (hg19) VCF-style: chr5-176684068-AT-A.
Other names: c.4010delT, p.Met1337Serfs (NM_001365684.2, NM_001409308.1, NM_001409309.1 and 1 more transcripts); c.4883delT, p.Met1628Serfs (NM_001409301.1, NM_001409302.1, NM_001409303.1); c.4463delT, p.Met1488Serfs (NM_001409304.1); c.4130delT, p.Met1377Serfs (NM_001409305.1); c.4121delT, p.Met1374Serfs (NM_001409306.1, NM_001409307.1); short protein forms M1628fs, M1359fs.
Identifiers: ClinVar variation 1459166 (VCV001459166.8), dbSNP rs2149912535, ClinGen allele CA2573139459.
Genomic context (GRCh38, chr5:177,257,067, plus strand): 5'-CTACCCTTGTGTGGAAAGTTTTACCATGAAGAGTGTGTCCAGAAGTACCCACCCACTGTT[AT>A]GCAGAACAAGGGCTTCCGGTGCTCCCTCCACATCTGTATAACCTGTCATGCTGCTAATCC-3'

ClinVar aggregate classification (germline): Pathogenic (1 of 4 stars; one submission).

Submission:

Labcorp Genetics (formerly Invitae), Labcorp
Classification: Pathogenic. Last evaluated: 2020-12-19. Review status: criteria provided, single submitter. Criteria: Invitae Variant Classification Sherloc (09022015). Collection method: clinical testing. Allele origin: germline.
Comment: For these reasons, this variant has been classified as Pathogenic. This variant has been observed in individual(s) with clinical features of Sotos syndrome (PMID: 12464997). This variant is not present in population databases (ExAC no frequency). This sequence change creates a premature translational stop signal (p.Met1628Serfs*14) in the NSD1 gene. It is expected to result in an absent or disrupted protein product. Loss-of-function variants in NSD1 are known to be pathogenic (PMID: 12464997, 14571271, 15942875, 16247291).

Literature cited by the submitters: PubMed 12464997; PubMed 14571271; PubMed 15942875; PubMed 16247291.